The following is an entry in ClinVar:

NM_000302.4(PLOD1):c.1871C>T (p.Thr624Met)

Gene: PLOD1 (procollagen-lysine,2-oxoglutarate 5-dioxygenase 1; plus strand). Cytogenetic location: 1p36.22.
Variant type: single nucleotide variant.
Coding change: c.1871C>T on transcript NM_000302.4 (MANE Select); coding-DNA position 1871, C replaced by T.
Protein change: p.Thr624Met; replaces threonine 624 with methionine.
Molecular consequence: missense variant.
Genome position (GRCh38, 1-based): chr1:11,970,785, C>T. VCF-style: chr1-11970785-C-T. GRCh37 (hg19) VCF-style: chr1-12030842-C-T.
Other names: c.2012C>T, p.Thr671Met (NM_001316320.2); short protein forms T624M, T671M.
Identifiers: ClinVar variation 566540 (VCV000566540.13), dbSNP rs760314787, ClinGen allele CA598591.

ClinVar aggregate classification (germline): Uncertain significance. Review status: criteria provided, multiple submitters, no conflicts (2 of 4 stars). 4 submissions from 4 submitters: Uncertain significance (4). Last evaluated 2025-08-06.

Conditions:
Ehlers-Danlos syndrome, kyphoscoliotic type 1 (EDSKSCL1). Also called: PLOD1-Related Kyphoscoliotic Ehlers-Danlos Syndrome; EHLERS-DANLOS SYNDROME, TYPE VIA; EHLERS-DANLOS SYNDROME, OCULAR-SCOLIOTIC TYPE; Ehlers-Danlos syndrome, hydroxylysine-deficient. Identifiers: Orphanet 1900, MedGen C0268342, MONDO:0016002, OMIM 225400. Disease mechanism: loss of function.
Familial thoracic aortic aneurysm and aortic dissection (TAAD). Also called: Thoracic aortic aneurysms and dissections. Identifiers: Orphanet 91387, MedGen C4707243, MONDO:0019625.

Allele frequency attached by ClinVar (database versions not stated): TOPMed 0.00001.

Submissions (4):

GeneDx
Classification: Uncertain significance. Last evaluated: 2025-08-06. Review status: criteria provided, single submitter. Criteria: GeneDx Variant Classification Process June 2021. Collection method: clinical testing. Allele origin: germline. Affected: yes.
Comment: Not observed at significant frequency in large population cohorts (gnomAD); In silico analysis supports that this missense variant has a deleterious effect on protein structure/function; Has not been previously published as pathogenic or benign to our knowledge

Labcorp Genetics (formerly Invitae), Labcorp
Classification: Uncertain significance for Ehlers-Danlos syndrome, kyphoscoliotic type 1. Last evaluated: 2025-02-24. Review status: criteria provided, single submitter. Criteria: Invitae Variant Classification Sherloc (09022015). Collection method: clinical testing. Allele origin: germline.
Comment: This sequence change replaces threonine, which is neutral and polar, with methionine, which is neutral and non-polar, at codon 624 of the PLOD1 protein (p.Thr624Met). This variant is present in population databases (rs760314787, gnomAD 0.006%). This variant has not been reported in the literature in individuals affected with PLOD1-related conditions. ClinVar contains an entry for this variant (Variation ID: 566540). Invitae Evidence Modeling of protein sequence and biophysical properties (such as structural, functional, and spatial information, amino acid conservation, physicochemical variation, residue mobility, and thermodynamic stability) indicates that this missense variant is not expected to disrupt PLOD1 protein function with a negative predictive value of 95%. In summary, the available evidence is currently insufficient to determine the role of this variant in disease. Therefore, it has been classified as a Variant of Uncertain Significance.

Ambry Genetics
Classification: Uncertain significance for Familial thoracic aortic aneurysm and aortic dissection. Last evaluated: 2022-04-19. Review status: criteria provided, single submitter. Criteria: Ambry Variant Classification Scheme 2023. Collection method: clinical testing. Allele origin: germline.
Comment: The p.T624M variant (also known as c.1871C>T), located in coding exon 17 of the PLOD1 gene, results from a C to T substitution at nucleotide position 1871. The threonine at codon 624 is replaced by methionine, an amino acid with similar properties. This amino acid position is conserved. In addition, this alteration is predicted to be deleterious by in silico analysis. Since supporting evidence is limited at this time, the clinical significance of this alteration remains unclear.

Blueprint Genetics
Classification: Uncertain significance. Last evaluated: 2021-06-30. Review status: criteria provided, single submitter. Criteria: ACMG Guidelines, 2015. Collection method: clinical testing. Allele origin: germline.